The following is an entry in ClinVar:

ClinVar aggregate classification (germline): Uncertain significance (1 of 4 stars; one submission).

Conditions:
Peroxisome biogenesis disorder. Identifiers: Orphanet 79189, MedGen C1832200, MONDO:0019234. Disease mechanism: loss of function.

Submission:

Labcorp Genetics (formerly Invitae), Labcorp
Classification: Uncertain significance for Peroxisome biogenesis disorder. Last evaluated: 2022-02-25. Review status: criteria provided, single submitter. Criteria: Invitae Variant Classification Sherloc (09022015). Collection method: clinical testing. Allele origin: germline.
Comment: In summary, the available evidence is currently insufficient to determine the role of this variant in disease. Therefore, it has been classified as a Variant of Uncertain Significance. Algorithms developed to predict the effect of missense changes on protein structure and function (SIFT, PolyPhen-2, Align-GVGD) all suggest that this variant is likely to be tolerated. This variant has not been reported in the literature in individuals affected with PEX6-related conditions. This variant is not present in population databases (gnomAD no frequency). This sequence change replaces alanine, which is neutral and non-polar, with glycine, which is neutral and non-polar, at codon 228 of the PEX6 protein (p.Ala228Gly).

NM_000287.4(PEX6):c.683C>G (p.Ala228Gly)

Gene: PEX6 (peroxisomal biogenesis factor 6; minus strand). Cytogenetic location: 6p21.1.
Variant type: single nucleotide variant.
Coding change: c.683C>G on transcript NM_000287.4 (MANE Select); coding-DNA position 683, C replaced by G.
Protein change: p.Ala228Gly; replaces alanine 228 with glycine.
Molecular consequence: missense variant. On other transcripts: non-coding transcript variant (1), intron variant (1).
Genome position (GRCh38, 1-based): chr6:42,978,468, G>C on the plus strand (C>G on the coding strand, the complement: PEX6 is on the minus strand). VCF-style: chr6-42978468-G-C. GRCh37 (hg19) VCF-style: chr6-42946206-G-C.
Other names: c.618+65C>G (NM_001316313.2); short protein forms A228G.
Identifiers: ClinVar variation 2103576 (VCV002103576.4), dbSNP rs926321823, ClinGen allele CA364162762.